The following is an entry in ClinVar:

ClinVar aggregate classification (germline): Likely benign. Review status: criteria provided, multiple submitters, no conflicts (2 of 4 stars). 3 submissions from 3 submitters: Likely benign (3). Last evaluated 2024-02-05.

Conditions:
Peutz-Jeghers syndrome (PJS). Also called: POLYPOSIS, HAMARTOMATOUS INTESTINAL; POLYPS-AND-SPOTS SYNDROME; Peutz-Jeghers polyposis; Periorificial lentiginosis syndrome. Identifiers: Orphanet 2869, MedGen C0031269, MeSH D010580, MONDO:0008280, OMIM 175200.
Hereditary cancer-predisposing syndrome. Also called: Tumor predisposition; Hereditary Cancer Syndrome; Neoplastic Syndromes, Hereditary; Hereditary neoplastic syndrome. Identifiers: Orphanet 140162, MedGen C0027672, MeSH D009386, MONDO:0015356.

Submissions (3):

All of Us Research Program, National Institutes of Health
Classification: Likely benign for Peutz-Jeghers syndrome. Last evaluated: 2024-02-05. Review status: criteria provided, single submitter. Criteria: ACMG Guidelines, 2015. Collection method: clinical testing. Allele origin: germline. Inheritance: Autosomal dominant inheritance. Observed: 1 variant allele, 1 heterozygote.
Comment: This study involves interpretation of variants in research participants for the purpose of population health screening. Participant phenotype was not available at the time of variant classification. Additional details can be found in publication PMID: 35346344, PMCID: PMC8962531

Ambry Genetics
Classification: Likely benign for Hereditary cancer-predisposing syndrome. Last evaluated: 2022-11-15. Review status: criteria provided, single submitter. Criteria: Ambry Variant Classification Scheme 2023. Collection method: clinical testing. Allele origin: germline.

Labcorp Genetics (formerly Invitae), Labcorp
Classification: Likely benign for Peutz-Jeghers syndrome. Last evaluated: 2018-09-27. Review status: criteria provided, single submitter. Criteria: Invitae Variant Classification Sherloc (09022015). Collection method: clinical testing. Allele origin: germline.

NM_000455.5(STK11):c.645C>T (p.Gly215=)

Gene: STK11 (serine/threonine kinase 11; plus strand). Cytogenetic location: 19p13.3.
Variant type: single nucleotide variant.
Coding change: c.645C>T on transcript NM_000455.5 (MANE Select); coding-DNA position 645, C replaced by T.
Protein change: p.Gly215=; no amino-acid change (glycine 215 retained).
Molecular consequence: synonymous variant.
Genome position (GRCh38, 1-based): chr19:1,220,628, C>T. VCF-style: chr19-1220628-C-T. GRCh37 (hg19) VCF-style: chr19-1220627-C-T.
Identifiers: ClinVar variation 754864 (VCV000754864.11), dbSNP rs1599926859, ClinGen allele CA504892384.